The following is an entry in ClinVar:

ClinVar aggregate classification (germline): Conflicting classifications of pathogenicity. Review status: criteria provided, conflicting classifications (1 of 4 stars). 6 submissions from 6 submitters: Likely pathogenic (2); Uncertain significance (4). Last evaluated 2024-03-01.

Conditions:
Hypofibrinogenemia. Identifiers: MedGen C0553681, HP:0011900.
Familial dysfibrinogenemia. Also called: Dysfibrinogenemia, congenital. Identifiers: Orphanet 335, Orphanet 98881, MedGen C0272350, MONDO:0014452, OMIM 616004.

Allele frequency attached by ClinVar (database versions not stated): gnomAD exomes 0.00001 and 0.00003; gnomAD 0.00004 and 0.00006; TOPMed 0.00004; ExAC 0.00007; ESP Exome Variant Server 0.00015; 1000 Genomes Project 0.00060; 1000 Genomes Project 30x 0.00062.
gnomAD v4.1: 29 of 1,613,910 alleles (0.0018%); highest among the groups gnomAD compares: African/African-American, 0.019%; no homozygotes.

Submissions (6):

Blueprint Genetics
Classification: Uncertain significance. Last evaluated: 2024-03-01. Review status: criteria provided, single submitter. Criteria: ACMG Guidelines, 2015. Collection method: clinical testing. Allele origin: germline.

Women's Health and Genetics/Laboratory Corporation of America, LabCorp
Classification: Uncertain significance. Last evaluated: 2023-12-21. Review status: criteria provided, single submitter. Criteria: LabCorp Variant Classification Summary - May 2015. Collection method: clinical testing. Allele origin: germline.
Comment: Variant summary: FGG c.1099G>A (p.Ala367Thr) results in a non-conservative amino acid change located in the Fibrinogen, alpha/beta/gamma chain, C-terminal globular domain (IPR002181) of the encoded protein sequence. Four of five in-silico tools predict a damaging effect of the variant on protein function. The variant allele was found at a frequency of 3.2e-05 in 251306 control chromosomes (gnomAD). c.1099G>A has been reported in the literature in individuals affected with Congenital Dysfibrinogenemia/Hypofibrinogenemia (Hanss_2007, Shapiro_2013, Downes_2019). These data indicate that the variant may be associated with disease. To our knowledge, no experimental evidence demonstrating an impact on protein function has been reported. The following publications have been ascertained in the context of this evaluation (PMID: 31064749, 35853369, 23061815, 17849064). One submitter has cited a clinical-significance assessment for this variant to ClinVar after 2014 and has classified the variant as likely pathogenic. Based on the evidence outlined above, the variant was classified as VUS-possibly pathogenic.

GeneDx
Classification: Uncertain significance. Last evaluated: 2023-09-24. Review status: criteria provided, single submitter. Criteria: GeneDx Variant Classification Process June 2021. Collection method: clinical testing. Allele origin: germline. Affected: yes.
Comment: In silico analysis supports that this missense variant has a deleterious effect on protein structure/function; Reported in a patient with a suspected bleeding, thrombotic, or platelet disorder; however, familial segregation information and additional clinical information were not included (PMID: 31064749); This variant is associated with the following publications: (PMID: 20981092, 17849064, 31064749)

Labcorp Genetics (formerly Invitae), Labcorp
Classification: Uncertain significance. Last evaluated: 2023-09-06. Review status: criteria provided, single submitter. Criteria: Invitae Variant Classification Sherloc (09022015). Collection method: clinical testing. Allele origin: germline.
Comment: In summary, the available evidence is currently insufficient to determine the role of this variant in disease. Therefore, it has been classified as a Variant of Uncertain Significance. Advanced modeling of protein sequence and biophysical properties (such as structural, functional, and spatial information, amino acid conservation, physicochemical variation, residue mobility, and thermodynamic stability) has been performed at Invitae for this missense variant, however the output from this modeling did not meet the statistical confidence thresholds required to predict the impact of this variant on FGG protein function. ClinVar contains an entry for this variant (Variation ID: 626970). This variant is also known as gammaAla341Thr and fibrinogen Lyon III. . This missense change has been observed in individual(s) with clinical features of hypofibrinogenemia (PMID: 17849064, 31064749). This variant is present in population databases (rs78257946, gnomAD 0.03%). This sequence change replaces alanine, which is neutral and non-polar, with threonine, which is neutral and polar, at codon 367 of the FGG protein (p.Ala367Thr).

NIHR Bioresource Rare Diseases, University of Cambridge
Classification: Likely pathogenic for Hypofibrinogenemia. Last evaluated: 2019-02-01. Review status: criteria provided, single submitter. Criteria: ACMG Guidelines, 2015. Collection method: research. Allele origin: unknown. Affected: yes. Observed: 1 heterozygote. Study: ThromboGenomics.

ISTH-SSC Genomics in Thrombosis and Hemostasis, KU Leuven, Center for Molecular and Vascular Biology
Classification: Likely pathogenic for Familial dysfibrinogenemia. Review status: criteria provided, single submitter. Criteria: ACMG Guidelines, 2015. Collection method: clinical testing. Allele origin: germline. Affected: yes. Observed: 1 heterozygote.
Comment: Submitted to the GoldVariant database by Kathleen Freson, Center for Molecular and Vascular Biology

Literature cited by the submitters: PubMed 31064749 (cited by 3 submitters); PubMed 17849064 (cited by Women's Health and Genetics/Laboratory Corporation of America, LabCorp and Labcorp Genetics (formerly Invitae), Labcorp); PubMed 35853369 (cited by Women's Health and Genetics/Laboratory Corporation of America, LabCorp); PubMed 23061815 (cited by Women's Health and Genetics/Laboratory Corporation of America, LabCorp).

NM_021870.3(FGG):c.1099G>A (p.Ala367Thr)

Gene: FGG (fibrinogen gamma chain; minus strand). Cytogenetic location: 4q32.1.
Variant type: single nucleotide variant.
Coding change: c.1099G>A on transcript NM_021870.3 (MANE Select); coding-DNA position 1099, G replaced by A.
Protein change: p.Ala367Thr; replaces alanine 367 with threonine.
Molecular consequence: missense variant.
Genome position (GRCh38, 1-based): chr4:154,606,735, C>T on the plus strand (G>A on the coding strand, the complement: FGG is on the minus strand). VCF-style: chr4-154606735-C-T. GRCh37 (hg19) VCF-style: chr4-155527887-C-T.
Other names: c.1099G>A, p.Ala367Thr (NM_000509.6); c.1099G>A (NM_000509.4); short protein forms A367T.
Identifiers: ClinVar variation 626970 (VCV000626970.10), dbSNP rs78257946, ClinGen allele CA3115500.